The following is an entry in ClinVar:

NM_207122.2(EXT2):c.1186_1192del (p.Trp396fs)

Gene: EXT2 (exostosin glycosyltransferase 2; plus strand). Cytogenetic location: 11p11.2.
Variant type: Deletion.
Coding change: c.1186_1192del on transcript NM_207122.2 (MANE Select); coding-DNA positions 1186 to 1192, 7 bases deleted (TGGGAAG; older notation c.1186_1192delTGGGAAG).
Protein change: p.Trp396fs; shifts the reading frame from tryptophan 396.
Molecular consequence: frameshift variant. On other transcripts: intron variant (1).
Genome position (GRCh38, 1-based): chr11:44,171,623-44,171,629, TGGGAAG deleted. VCF-style (leftmost placement, unchanged base first): chr11-44171622-CTGGGAAG-C. GRCh37 (hg19) VCF-style: chr11-44193172-CTGGGAAG-C.
Other names: c.1285_1291del, p.Trp429fs (NM_000401.3); c.1186_1192del, p.Trp396fs (NM_001389628.1, NM_001389630.1); c.1267-51_1267-45del (NM_001178083.3); short protein forms W396fs, W429fs.
Identifiers: ClinVar variation 2029711 (VCV002029711.4), dbSNP rs2539664719, ClinGen allele CA2574803875.

ClinVar aggregate classification (germline): Pathogenic (1 of 4 stars; one submission).

Conditions:
Exostoses, multiple, type 2 (EXT2). Also called: Hereditary Multiple Osteochondromatosis, Type II; EXOSTOSES, MULTIPLE, TYPE II. Identifiers: Orphanet 321, MedGen C1851413, MONDO:0007586, OMIM 133701.

Submission:

Labcorp Genetics (formerly Invitae), Labcorp
Classification: Pathogenic for Exostoses, multiple, type 2. Last evaluated: 2022-09-09. Review status: criteria provided, single submitter. Criteria: Invitae Variant Classification Sherloc (09022015). Collection method: clinical testing. Allele origin: germline.
Comment: For these reasons, this variant has been classified as Pathogenic. This variant has not been reported in the literature in individuals affected with EXT2-related conditions. This variant is not present in population databases (gnomAD no frequency). This sequence change creates a premature translational stop signal (p.Trp396Argfs*38) in the EXT2 gene. It is expected to result in an absent or disrupted protein product. Loss-of-function variants in EXT2 are known to be pathogenic (PMID: 10679937, 19810120).

Literature cited by the submitters: PubMed 10679937; PubMed 19810120.